The following is an entry in ClinVar:

ClinVar aggregate classification (germline): Uncertain significance (1 of 4 stars; one submission).

gnomAD v4.1: 1 of 1,613,928 alleles (0.000062%); highest among the groups gnomAD compares: Non-Finnish European, 0.000085%; no homozygotes.

Submission:

GeneDx
Classification: Uncertain significance. Last evaluated: 2026-04-18. Review status: criteria provided, single submitter. Criteria: GeneDx Variant Classification Process June 2021. Collection method: clinical testing. Allele origin: germline.
Comment: Not observed at significant frequency in large population cohorts (gnomAD); Nonsense variant predicted to result in protein truncation or nonsense mediated decay in a gene or region of a gene for which loss of function is not a well-established mechanism of disease; Has not been previously published as pathogenic or benign to our knowledge

NM_002240.5(KCNJ6):c.870G>A (p.Trp290Ter)

Genes: KCNJ6 (potassium inwardly rectifying channel subfamily J member 6; minus strand), KCNJ6-AS1 (KCNJ6 antisense RNA 1; plus strand). Cytogenetic location: 21q22.13.
Variant type: single nucleotide variant.
Coding change: c.870G>A on transcript NM_002240.5 (MANE Select); coding-DNA position 870, G replaced by A.
Protein change: p.Trp290Ter; replaces tryptophan 290 with a stop codon.
Molecular consequence: nonsense. On other transcripts: non-coding transcript variant (1).
Genome position (GRCh38, 1-based): chr21:37,714,287, C>T on the plus strand (G>A on the coding strand, the complement: KCNJ6 is on the minus strand). VCF-style: chr21-37714287-C-T. GRCh37 (hg19) VCF-style: chr21-39086590-C-T.
Other names: short protein forms W290*.
Identifiers: ClinVar variation 5037264 (VCV005037264.1).